The following is an entry in ClinVar:

NM_014014.5(SNRNP200):c.2416A>G (p.Ile806Val)

Gene: SNRNP200 (small nuclear ribonucleoprotein U5 subunit 200; minus strand). Cytogenetic location: 2q11.2.
Variant type: single nucleotide variant.
Coding change: c.2416A>G on transcript NM_014014.5 (MANE Select); coding-DNA position 2416, A replaced by G.
Protein change: p.Ile806Val; replaces isoleucine 806 with valine.
Molecular consequence: missense variant.
Genome position (GRCh38, 1-based): chr2:96,291,397, T>C on the plus strand (A>G on the coding strand, the complement: SNRNP200 is on the minus strand). VCF-style: chr2-96291397-T-C. GRCh37 (hg19) VCF-style: chr2-96957135-T-C.
Other names: short protein forms I806V.
Identifiers: ClinVar variation 2009802 (VCV002009802.4), dbSNP rs2467338434, ClinGen allele CA347677478.

ClinVar aggregate classification (germline): Uncertain significance (1 of 4 stars; one submission).

Allele frequency attached by ClinVar (database versions not stated): gnomAD exomes below 0.00001.
gnomAD v4.1: 1 of 1,587,080 alleles (0.000063%); highest among the groups gnomAD compares: Non-Finnish European, 0.000087%; no homozygotes.

Submission:

Labcorp Genetics (formerly Invitae), Labcorp
Classification: Uncertain significance. Last evaluated: 2022-06-23. Review status: criteria provided, single submitter. Criteria: Invitae Variant Classification Sherloc (09022015). Collection method: clinical testing. Allele origin: germline.
Comment: In summary, the available evidence is currently insufficient to determine the role of this variant in disease. Therefore, it has been classified as a Variant of Uncertain Significance. Algorithms developed to predict the effect of missense changes on protein structure and function (SIFT, PolyPhen-2, Align-GVGD) all suggest that this variant is likely to be tolerated. This variant has not been reported in the literature in individuals affected with SNRNP200-related conditions. This variant is not present in population databases (gnomAD no frequency). This sequence change replaces isoleucine, which is neutral and non-polar, with valine, which is neutral and non-polar, at codon 806 of the SNRNP200 protein (p.Ile806Val).